The following is an entry in ClinVar:

ClinVar aggregate classification (germline): Pathogenic. Review status: reviewed by expert panel (3 of 4 stars). 17 submissions from 17 submitters: Pathogenic (1). 16 of the submissions do not count toward it. Last evaluated 2016-04-22.

Conditions:
BRCA2-related disorder. Also called: BRCA2-related condition; BRCA2-related disorders. Identifiers: MedGen CN239275.
Hereditary cancer-predisposing syndrome. Also called: Hereditary neoplastic syndrome; Tumor predisposition; Hereditary Cancer Syndrome; Neoplastic Syndromes, Hereditary. Identifiers: Orphanet 140162, MedGen C0027672, MeSH D009386, MONDO:0015356.
Hereditary breast ovarian cancer syndrome. Also called: Breast and ovarian cancer; Hereditary breast and/or ovarian cancer syndrome; BRCA1- and BRCA2-Associated Hereditary Breast and Ovarian Cancer; Hereditary breast and ovarian cancer syndrome; Hereditary breast and ovarian cancer; Hereditary breast and ovarian cancer syndrome (HBOC). Identifiers: Orphanet 145, MedGen C0677776, MeSH D061325, MONDO:0003582. Disease mechanism: loss of function.
Breast-ovarian cancer, familial, susceptibility to, 2 (BROVCA2). Also called: BRCA2 Hereditary Breast and Ovarian Cancer. Identifiers: Orphanet 145, MedGen C2675520, MONDO:0012933, OMIM 612555. Disease mechanism: loss of function.
Familial cancer of breast. Also called: BREAST CANCER, FAMILIAL; Hereditary breast cancer; hereditary breast carcinoma. Identifiers: Orphanet 227535, MedGen C0346153, MONDO:0016419, OMIM 114480. Disease mechanism: loss of function.

Allele frequency attached by ClinVar (database versions not stated): gnomAD exomes below 0.00001.

Submissions 1 to 9 of 17:

Evidence-based Network for the Interpretation of Germline Mutant Alleles (ENIGMA)
Classification: Pathogenic for Breast-ovarian cancer, familial, susceptibility to, 2. Last evaluated: 2016-04-22. Review status: reviewed by expert panel. Criteria: ENIGMA BRCA1/2 Classification Criteria (2015). Collection method: curation. Allele origin: germline.
Comment: Variant allele predicted to encode a truncated non-functional protein.

Labcorp Genetics (formerly Invitae), Labcorp
Classification: Pathogenic for Hereditary breast ovarian cancer syndrome. Last evaluated: 2026-01-27. Review status: criteria provided, single submitter. Criteria: Invitae Variant Classification Sherloc (09022015). Collection method: clinical testing. Allele origin: germline. Not counted in ClinVar's aggregate classification.
Comment: This sequence change creates a premature translational stop signal (p.Ser1230Leufs*9) in the BRCA2 gene. It is expected to result in an absent or disrupted protein product. Loss-of-function variants in BRCA2 are known to be pathogenic (PMID: 20104584). This variant is not present in population databases (gnomAD no frequency). This premature translational stop signal has been observed in individual(s) with ovarian cancer, colorectal cancer, and a personal or family history of pancreatic ductal adenocarcinoma (PMID: 24728189, 24737347, 27356891). This variant is also known as 3917delC. ClinVar contains an entry for this variant (Variation ID: 37853). For these reasons, this variant has been classified as Pathogenic.

PreventionGenetics, part of Exact Sciences
Classification: Pathogenic for BRCA2-related condition. Last evaluated: 2025-08-05. Review status: criteria provided, single submitter. Criteria: ACMG Guidelines, 2015. Collection method: clinical testing. Allele origin: germline. Not counted in ClinVar's aggregate classification.
Comment: The BRCA2 c.3689delC variant is predicted to result in a frameshift and premature protein termination (p.Ser1230Leufs*9). This variant has been reported in multiple individuals with various cancers including endometrial, colorectal, and ovarian cancers (Table S1, Song et al. 2014. PubMed ID: 24728189; Dobbins et al. 2016. PubMed ID: 27356891; Table S1, Carter et al. 2018. PubMed ID: 30322717). This variant has not been reported in a large population database, indicating it is rare. This variant has been classified as pathogenic by an expert panel in ClinVar (Variation ID: 37853). Frameshift variants in BRCA2 are expected to be pathogenic. This variant is interpreted as pathogenic.

Ambry Genetics
Classification: Pathogenic for Hereditary cancer-predisposing syndrome. Last evaluated: 2025-06-12. Review status: criteria provided, single submitter. Criteria: Ambry Variant Classification Scheme 2023. Collection method: clinical testing. Allele origin: germline. Not counted in ClinVar's aggregate classification.
Comment: The c.3689delC pathogenic mutation, located in coding exon 10 of the BRCA2 gene, results from a deletion of one nucleotide at position 3689, causing a translational frameshift with a predicted alternate stop codon (p.S1230Lfs*9). This mutation has been reported in individuals with hereditary ovarian and/or pancreatic cancer (Song H et al. Hum. Mol. Genet. 2014 Sep;23:4703-9; Lucas AL et al. Cancer. 2014 Jul;120:1960-7). This mutation has also been reported in an individual who also carried a frameshift mutation in BRCA1 (Rebbeck TR et al. Breast Cancer Res. 2016 Nov;18:112). This variant is considered to be rare based on population cohorts in the Genome Aggregation Database (gnomAD). In addition to the clinical data presented in the literature, this alteration is expected to result in loss of function by premature protein truncation or nonsense-mediated mRNA decay. As such, this alteration is interpreted as a disease-causing mutation.

GeneDx
Classification: Pathogenic. Last evaluated: 2025-05-12. Review status: criteria provided, single submitter. Criteria: GeneDx Variant Classification Process June 2021. Collection method: clinical testing. Allele origin: germline. Affected: yes. Not counted in ClinVar's aggregate classification.
Comment: Frameshift variant predicted to result in protein truncation or nonsense mediated decay in a gene for which loss of function is a known mechanism of disease; Observed in individuals with a personal or family history consistent with pathogenic variants in this gene (PMID: 24728189, 29337092, 18094411); Not observed at significant frequency in large population cohorts (gnomAD); Truncating variants in this gene are considered pathogenic by a well-established clinical consortium and/or database; Also known as 3917delC; This variant is associated with the following publications: (PMID: 24737347, 27356891, 34657373, 32073954, 10923033, 24728189, 27836010, 29337092, 18094411, 28152038, 30322717, 29446198)

Color Diagnostics, LLC DBA Color Health
Classification: Pathogenic for Hereditary cancer-predisposing syndrome. Last evaluated: 2024-07-28. Review status: criteria provided, single submitter. Criteria: ACMG Guidelines, 2015. Collection method: clinical testing. Allele origin: germline. Not counted in ClinVar's aggregate classification.
Comment: This variant deletes 1 nucleotide in exon 11 of the BRCA2 gene, creating a frameshift and premature translation stop signal. This variant is expected to result in an absent or non-functional protein product. This variant has been reported in at least four individuals affected with ovarian, breast, endometrial and pancreatic cancer (PMID: 18094411, 24728189, 24737347, 29337092, 34994648) and 10 suspected hereditary breast and ovarian cancer families (PMID: 29446198). This variant has not been identified in the general population by the Genome Aggregation Database (gnomAD). Loss of BRCA2 function is a known mechanism of disease. Based on the available evidence, this variant is classified as Pathogenic.

Baylor Genetics
Classification: Pathogenic for Familial cancer of breast. Last evaluated: 2024-03-11. Review status: criteria provided, single submitter. Criteria: ACMG Guidelines, 2015. Collection method: clinical testing. Allele origin: unknown. Not counted in ClinVar's aggregate classification.

All of Us Research Program, National Institutes of Health
Classification: Pathogenic for Breast-ovarian cancer, familial, susceptibility to, 2. Last evaluated: 2024-01-05. Review status: criteria provided, single submitter. Criteria: ACMG Guidelines, 2015. Collection method: clinical testing. Allele origin: germline. Inheritance: Autosomal dominant inheritance. Observed: 2 variant alleles, 2 heterozygotes. Not counted in ClinVar's aggregate classification.
Comment: The c.3689del (p.Ser1230Leufs*9) variant in the BRCA2 gene is located on the exon 11 and is predicted to cause reading frame shift that introduces a premature translation termination codon (p.Ser1230Leufs*9), resulting in an absent or disrupted protein product. Loss-of-function variants of BRCA2 are known to be pathogenic. The c.3689del variant was reported in multiple individuals with ovarian, breast and colorectal cancer (PMID: 24728189, 29337092, 32034076, 27356891, 34994648). This variant is reported in ClinVar as pathogenic (ID: 37853). This variant is absent in the general population database (gnomAD). Therefore, the c.3689del (p.Ser1230Leufs*9) variant of BRCA2 has been classified as pathogenic.

This study involves interpretation of variants in research participants for the purpose of population health screening. Participant phenotype was not available at the time of variant classification. Additional details can be found in publication PMID: 35346344, PMCID: PMC8962531

Quest Diagnostics Nichols Institute San Juan Capistrano
Classification: Pathogenic. Last evaluated: 2021-03-19. Review status: criteria provided, single submitter. Criteria: Quest Diagnostics criteria. Collection method: clinical testing. Allele origin: unknown. Not counted in ClinVar's aggregate classification.
Comment: This frameshift variant causes the premature termination of BRCA2 protein synthesis. In addition, it has been reported in individuals with breast cancer, colorectal cancer, ovarian cancer, and pancreatic cancer in the published literature (PMID: 29446198 (2018), 27356891 (2016), 24737347 (2014), 24728189 (2014)). This variant has not been reported in large, multi-ethnic general populations. Based on the available information, this variant is classified as pathogenic.

NM_000059.4(BRCA2):c.3689del (p.Ser1230fs)

Gene: BRCA2 (BRCA2 DNA repair associated; plus strand). Cytogenetic location: 13q13.1.
Variant type: Deletion.
Coding change: c.3689del on transcript NM_000059.4 (MANE Select); coding-DNA position 3689, one base deleted (C; older notation c.3689delC).
Protein change: p.Ser1230fs; shifts the reading frame from serine 1230.
Molecular consequence: frameshift variant.
Genome position (GRCh38, 1-based): chr13:32,338,044, C deleted. VCF-style (leftmost placement, unchanged base first): chr13-32338043-TC-T. GRCh37 (hg19) VCF-style: chr13-32912180-TC-T.
Other names: 3917delC; c.3689delC (NM_000059.3).
Identifiers: ClinVar variation 37853 (VCV000037853.41), dbSNP rs80359398, ClinGen allele CA018587.